The following is an entry in ClinVar:

ClinVar aggregate classification (germline): Uncertain significance (1 of 4 stars; one submission).

Conditions:
Gastrointestinal stromal tumor. Also called: Gastrointestinal stromal tumor, somatic; Gastrointestinal stroma tumor. Identifiers: Orphanet 44890, MedGen C0238198, MeSH D046152, MONDO:0011719, OMIM 606764, HP:0100723.

Submission:

Labcorp Genetics (formerly Invitae), Labcorp
Classification: Uncertain significance for Gastrointestinal stromal tumor. Last evaluated: 2019-06-28. Review status: criteria provided, single submitter. Criteria: Invitae Variant Classification Sherloc (09022015). Collection method: clinical testing. Allele origin: germline.
Comment: In summary, the available evidence is currently insufficient to determine the role of this variant in disease. Therefore, it has been classified as a Variant of Uncertain Significance. This sequence change falls in intron 7 of the PDGFRA gene. It does not directly change the encoded amino acid sequence of the PDGFRA protein, but it affects a nucleotide within the consensus splice site of the intron. This variant is not present in population databases (ExAC no frequency). This variant has not been reported in the literature in individuals with PDGFRA-related conditions. Nucleotide substitutions within the consensus splice site are a relatively common cause of aberrant splicing (PMID: 17576681, 9536098). Algorithms developed to predict the effect of sequence changes on RNA splicing suggest that this variant is not likely to affect RNA splicing, but this prediction has not been confirmed by published transcriptional studies.

Literature cited by the submitters: PubMed 17576681; PubMed 9536098.

NM_006206.6(PDGFRA):c.1122-3A>T

Gene: PDGFRA (platelet derived growth factor receptor alpha; plus strand). Cytogenetic location: 4q12.
Variant type: single nucleotide variant.
Coding change: c.1122-3A>T on transcript NM_006206.6 (MANE Select); 3 bases into the intron before coding-DNA position 1122, A replaced by T.
Molecular consequence: intron variant.
Genome position (GRCh38, 1-based): chr4:54,270,630, A>T. VCF-style: chr4-54270630-A-T. GRCh37 (hg19) VCF-style: chr4-55136797-A-T.
Other names: c.1197-3A>T (NM_001347828.2); c.1122-3A>T (NM_001347827.2, NM_001347829.2); c.1161-3A>T (NM_001347830.2).
Identifiers: ClinVar variation 946962 (VCV000946962.10), dbSNP rs1723288514, ClinGen allele CA1139658497.